The following is an entry in ClinVar:

ClinVar aggregate classification (germline): Uncertain significance (1 of 4 stars; one submission).

Conditions:
Hereditary cancer-predisposing syndrome. Also called: Neoplastic Syndromes, Hereditary; Tumor predisposition; Hereditary Cancer Syndrome; Hereditary neoplastic syndrome. Identifiers: Orphanet 140162, MedGen C0027672, MeSH D009386, MONDO:0015356.

Submission:

Ambry Genetics
Classification: Uncertain significance for Hereditary cancer-predisposing syndrome. Last evaluated: 2026-02-06. Review status: criteria provided, single submitter. Criteria: Ambry Variant Classification Scheme 2023. Collection method: clinical testing. Allele origin: germline.
Comment: The p.T452S variant (also known as c.1354A>T), located in coding exon 14 of the MUTYH gene, results from an A to T substitution at nucleotide position 1354. The threonine at codon 452 is replaced by serine, an amino acid with similar properties. In a massively parallel cell-based functional assay testing 7,8-dihydro-8-oxoguanine:adenine (8OG:A) repair activity, a byproduct of oxidative damage, this variant was reported to be functional (Hemker SL et al. Am J Hum Genet. Published online July 29, 2025. DOI: 10.1016/j.ajhg.2025.07.005). This amino acid position is highly conserved in available vertebrate species. In addition, the in silico prediction for this alteration is inconclusive. Based on the available evidence, the clinical significance of this variant remains unclear.

Literature cited by the submitters: PubMed 40738107.

NM_001048174.2(MUTYH):c.1270A>T (p.Thr424Ser)

Gene: MUTYH (mutY DNA glycosylase; minus strand). Cytogenetic location: 1p34.1.
Variant type: single nucleotide variant.
Coding change: c.1270A>T on transcript NM_001048174.2 (MANE Select); coding-DNA position 1270, A replaced by T.
Protein change: p.Thr424Ser; replaces threonine 424 with serine.
Molecular consequence: missense variant. On other transcripts: non-coding transcript variant (7).
Genome position (GRCh38, 1-based): chr1:45,331,304, T>A on the plus strand (A>T on the coding strand, the complement: MUTYH is on the minus strand). VCF-style: chr1-45331304-T-A. GRCh37 (hg19) VCF-style: chr1-45796976-T-A.
Other names: c.925A>T, p.Thr309Ser (NM_001350650.2, NM_001350651.2, NM_001407082.1); c.1303A>T, p.Thr435Ser (NM_001407069.1, NM_001407077.1, NM_001293191.2); c.1270A>T, p.Thr424Ser (NM_001407070.1, NM_001407072.1, NM_001407073.1 and 6 more transcripts); c.1273A>T, p.Thr425Ser (NM_001407071.1, NM_001407078.1, NM_001048172.2 and 1 more transcripts); c.1186A>T, p.Thr396Ser (NM_001407075.1); c.1354A>T, p.Thr452Ser (NM_001128425.2); c.1315A>T, p.Thr439Ser (NM_001293190.2); c.994A>T, p.Thr332Ser (NM_001293192.2, NM_001293196.2, NM_001407091.1); and 5 more; short protein forms T309S, T425S, T438S, T449S, T410S, T452S, T396S, T411S.
Identifiers: ClinVar variation 4825334 (VCV004825334.1).